The following is an entry in ClinVar:

ClinVar aggregate classification (germline): Uncertain significance (1 of 4 stars; one submission).

Conditions:
Myopathy, proximal, and ophthalmoplegia (CMYO6). Also called: MYOPATHY WITH CONGENITAL JOINT CONTRACTURES, OPHTHALMOPLEGIA, AND RIMMED VACUOLES; INCLUSION BODY MYOPATHY 3, AUTOSOMAL DOMINANT; CONGENITAL MYOPATHY 6 WITH OPHTHALMOPLEGIA. Identifiers: Orphanet 363677, Orphanet 79091, MedGen C1854106, MONDO:0011577, OMIM 605637.

gnomAD v4.1: 1 of 1,614,180 alleles (0.000062%); highest among the groups gnomAD compares: East Asian, 0.0022%; no homozygotes.

Submission:

Labcorp Genetics (formerly Invitae), Labcorp
Classification: Uncertain significance for Myopathy, proximal, and ophthalmoplegia. Last evaluated: 2024-11-02. Review status: criteria provided, single submitter. Criteria: Invitae Variant Classification Sherloc (09022015). Collection method: clinical testing. Allele origin: germline.
Comment: This sequence change replaces glutamine, which is neutral and polar, with proline, which is neutral and non-polar, at codon 1744 of the MYH2 protein (p.Gln1744Pro). This variant is not present in population databases (gnomAD no frequency). This variant has not been reported in the literature in individuals affected with MYH2-related conditions. Invitae Evidence Modeling of protein sequence and biophysical properties (such as structural, functional, and spatial information, amino acid conservation, physicochemical variation, residue mobility, and thermodynamic stability) indicates that this missense variant is expected to disrupt MYH2 protein function with a positive predictive value of 80%. In summary, the available evidence is currently insufficient to determine the role of this variant in disease. Therefore, it has been classified as a Variant of Uncertain Significance.

NM_017534.6(MYH2):c.5231A>C (p.Gln1744Pro)

Genes: MYH2 (myosin heavy chain 2; minus strand), MYHAS (myosin heavy chain gene cluster antisense RNA; plus strand). Cytogenetic location: 17p13.1.
Variant type: single nucleotide variant.
Coding change: c.5231A>C on transcript NM_017534.6 (MANE Select); coding-DNA position 5231, A replaced by C.
Protein change: p.Gln1744Pro; replaces glutamine 1744 with proline.
Molecular consequence: missense variant.
Genome position (GRCh38, 1-based): chr17:10,523,829, T>G on the plus strand (A>C on the coding strand, the complement: MYH2 is on the minus strand). VCF-style: chr17-10523829-T-G. GRCh37 (hg19) VCF-style: chr17-10427146-T-G.
Other names: c.5231A>C, p.Gln1744Pro (NM_001100112.2); short protein forms Q1744P.
Identifiers: ClinVar variation 3683069 (VCV003683069.2).